The following is an entry in ClinVar:

ClinVar aggregate classification (germline): Uncertain significance. Review status: criteria provided, single submitter (1 of 4 stars). 2 submissions from 2 submitters: Uncertain significance (1). 1 of the submissions does not count toward it. Last evaluated 2023-03-17.

Conditions:
Inborn genetic diseases. Identifiers: MedGen C0950123, MeSH D030342.

Allele frequency attached by ClinVar (database versions not stated): gnomAD exomes 0.00001; ExAC 0.00002.
gnomAD v4.1: 4 of 1,600,630 alleles (0.00025%); highest among the groups gnomAD compares: Admixed American, 0.0017%; no homozygotes.

Submissions (2):

Ambry Genetics
Classification: Uncertain significance for Inborn genetic diseases. Last evaluated: 2023-03-17. Review status: criteria provided, single submitter. Criteria: Ambry Variant Classification Scheme 2023. Collection method: clinical testing. Allele origin: germline.

Department of Pathology and Laboratory Medicine, Sinai Health System
Classification: Uncertain significance. Review status: no assertion criteria provided. Collection method: clinical testing. Allele origin: unknown. Affected: yes. Study: The Canadian Open Genetics Repository (COGR). Not counted in ClinVar's aggregate classification.
Comment: The IFT80 p.Lys323Glu variant was not identified in the literature nor was it identified in ClinVar. The variant was identified in dbSNP (ID: rs765887862) and in control databases in 3 of 250514 chromosomes at a frequency of 0.00001198 (Genome Aggregation Database March 6, 2019, v2.1.1). The variant was observed in the following populations: Latino in 1 of 34398 chromosomes (freq: 0.000029) and European (non-Finnish) in 2 of 113426 chromosomes (freq: 0.000018), but was not observed in the African, Ashkenazi Jewish, East Asian, European (Finnish), Other, or South Asian populations. The p.Lys323 residue is conserved in mammals but not in more distantly related organisms however four out of five computational analyses (PolyPhen-2, SIFT, AlignGVGD, BLOSUM, MutationTaster) do not suggest a high likelihood of impact to the protein; this information is not predictive enough to rule out pathogenicity. The p.Lys323Glu variant occurs in the third last base of the exon; this position has been shown to be part of the splicing consensus sequence and variants involving this position sometimes affect splicing. However, only 1 of 4 in silico or computational prediction software programs (SpliceSiteFinder, MaxEntScan, NNSPLICE, GeneSplicer) predict a greater than 10% difference in splicing; this is not very predictive of pathogenicity. In summary, based on the above information the clinical significance of this variant cannot be determined with certainty at this time. This variant is classified as a variant of uncertain significance.

NM_020800.3(IFT80):c.1378A>G (p.Lys460Glu)

Genes: IFT80 (intraflagellar transport 80; minus strand), TRIM59-IFT80 (TRIM59-IFT80 readthrough (NMD candidate); minus strand). Cytogenetic location: 3q25.33.
Variant type: single nucleotide variant.
Coding change: c.1378A>G on transcript NM_020800.3 (MANE Select); coding-DNA position 1378, A replaced by G.
Protein change: p.Lys460Glu; replaces lysine 460 with glutamic acid.
Molecular consequence: missense variant. On other transcripts: non-coding transcript variant (3).
Genome position (GRCh38, 1-based): chr3:160,285,806, T>C on the plus strand (A>G on the coding strand, the complement: IFT80 is on the minus strand). VCF-style: chr3-160285806-T-C. GRCh37 (hg19) VCF-style: chr3-160003594-T-C.
Other names: c.967A>G, p.Lys323Glu (NM_001190241.2, NM_001190242.2); c.1378A>G (NM_020800.2); short protein forms K323E, K460E.
Identifiers: ClinVar variation 1050511 (VCV001050511.3), dbSNP rs765887862, ClinGen allele CA2685175.